The following is an entry in ClinVar:

ClinVar aggregate classification (germline): Uncertain significance (1 of 4 stars; one submission).

Conditions:
Long QT syndrome (LQTS). Identifiers: MedGen C0023976, MeSH D008133, MONDO:0002442. Disease mechanism: loss of function. Inheritance: Various modes of inheritance.

Submission:

All of Us Research Program, National Institutes of Health
Classification: Uncertain significance for Long QT syndrome. Last evaluated: 2024-07-20. Review status: criteria provided, single submitter. Criteria: ACMG Guidelines, 2015. Collection method: clinical testing. Allele origin: germline. Inheritance: Autosomal dominant inheritance. Observed: 1 variant allele, 1 heterozygote.
Comment: This missense variant replaces glutamic acid with aspartic acid at codon 971 of the KCNH2 protein. Computational prediction suggests that this variant may not impact protein structure and function (internally defined REVEL score threshold <= 0.5, PMID: 27666373). To our knowledge, functional studies have not been reported for this variant. This variant has not been reported in individuals affected with KCNH2-related disorders in the literature. This variant has not been identified in the general population by the Genome Aggregation Database (gnomAD). The available evidence is insufficient to determine the role of this variant in disease conclusively. Therefore, this variant is classified as a Variant of Uncertain Significance.

This study involves interpretation of variants in research participants for the purpose of population health screening. Participant phenotype was not available at the time of variant classification. Additional details can be found in publication PMID: 35346344, PMCID: PMC8962531

NM_000238.4(KCNH2):c.2913G>C (p.Glu971Asp)

Gene: KCNH2 (potassium voltage-gated channel subfamily H member 2; minus strand). Cytogenetic location: 7q36.1.
Variant type: single nucleotide variant.
Coding change: c.2913G>C on transcript NM_000238.4 (MANE Select); coding-DNA position 2913, G replaced by C.
Protein change: p.Glu971Asp; replaces glutamic acid 971 with aspartic acid.
Molecular consequence: missense variant. On other transcripts: non-coding transcript variant (2).
Genome position (GRCh38, 1-based): chr7:150,947,658, C>G on the plus strand (G>C on the coding strand, the complement: KCNH2 is on the minus strand). VCF-style: chr7-150947658-C-G. GRCh37 (hg19) VCF-style: chr7-150644746-C-G.
Other names: c.2625G>C, p.Glu875Asp (NM_001406753.1); c.1893G>C, p.Glu631Asp (NM_172057.3); short protein forms E631D, E875D, E971D.
Identifiers: ClinVar variation 3386884 (VCV003386884.1).